The following is an entry in ClinVar:

ClinVar aggregate classification (germline): Uncertain significance (1 of 4 stars; one submission).

Conditions:
Autosomal recessive limb-girdle muscular dystrophy type 2K. Also called: MUSCULAR DYSTROPHY-DYSTROGLYCANOPATHY (LIMB-GIRDLE), TYPE C, 1; MUSCULAR DYSTROPHY, LIMB-GIRDLE, TYPE 2K. Identifiers: Orphanet 86812, MedGen C1836373, MONDO:0012248, OMIM 609308.
Walker-Warburg congenital muscular dystrophy. Also called: Muscular dystrophy-dystroglycanopathy, type A; Walker-Warburg syndrome. Identifiers: Orphanet 899, MedGen C0265221, MONDO:0000171.
Muscular dystrophy-dystroglycanopathy (congenital with impaired intellectual development), type B, 1. Also called: Muscular dystrophy-dystroglycanopathy (congenital with intellectual disability), type B1; MUSCULAR DYSTROPHY, CONGENITAL, POMT1-RELATED. Identifiers: MedGen C5436962, MONDO:0013159, OMIM 613155.

Allele frequency attached by ClinVar (database versions not stated): gnomAD exomes below 0.00001; TOPMed below 0.00001.
gnomAD v4.1: 1 of 1,613,962 alleles (0.000062%); highest among the groups gnomAD compares: Non-Finnish European, 0.000085%; no homozygotes.

Submission:

Labcorp Genetics (formerly Invitae), Labcorp
Classification: Uncertain significance for Muscular dystrophy-dystroglycanopathy (congenital with impaired intellectual development), type B, 1; Walker-Warburg congenital muscular dystrophy; Autosomal recessive limb-girdle muscular dystrophy type 2K. Last evaluated: 2021-08-20. Review status: criteria provided, single submitter. Criteria: Invitae Variant Classification Sherloc (09022015). Collection method: clinical testing. Allele origin: germline.
Comment: This sequence change replaces tryptophan with glycine at codon 486 of the POMT1 protein (p.Trp486Gly). The tryptophan residue is highly conserved and there is a large physicochemical difference between tryptophan and glycine. This variant is not present in population databases (ExAC no frequency). This variant has not been reported in the literature in individuals affected with POMT1-related conditions. Algorithms developed to predict the effect of missense changes on protein structure and function (SIFT, PolyPhen-2, Align-GVGD) all suggest that this variant is likely to be disruptive. This variant disrupts the p.Trp486 amino acid residue in POMT1. Other variant(s) that disrupt this residue have been determined to be pathogenic (PMID: 27193224, 28157257). This suggests that this residue is clinically significant, and that variants that disrupt this residue are likely to be disease-causing. In summary, the available evidence is currently insufficient to determine the role of this variant in disease. Therefore, it has been classified as a Variant of Uncertain Significance.

Literature cited by the submitters: PubMed 27193224; PubMed 28157257.

NM_001077365.2(POMT1):c.1390T>G (p.Trp464Gly)

Gene: POMT1 (protein O-mannosyltransferase 1; plus strand). Cytogenetic location: 9q34.13.
Variant type: single nucleotide variant.
Coding change: c.1390T>G on transcript NM_001077365.2 (MANE Select); coding-DNA position 1390, T replaced by G.
Protein change: p.Trp464Gly; replaces tryptophan 464 with glycine.
Molecular consequence: missense variant. On other transcripts: non-coding transcript variant (10), intron variant (1).
Genome position (GRCh38, 1-based): chr9:131,518,861, T>G. VCF-style: chr9-131518861-T-G. GRCh37 (hg19) VCF-style: chr9-134394248-T-G.
Other names: c.1228T>G, p.Trp410Gly (NM_001077366.2, NM_001353194.2); c.1390T>G, p.Trp464Gly (NM_001136113.2); c.1039T>G, p.Trp347Gly (NM_001136114.2, NM_001353195.2, NM_001374691.1 and 2 more transcripts); c.1456T>G, p.Trp486Gly (NM_001353193.2, NM_007171.4); c.1300T>G, p.Trp434Gly (NM_001353196.2); c.1294T>G, p.Trp432Gly (NM_001353197.2, NM_001353198.2); c.1105T>G, p.Trp369Gly (NM_001353199.2); c.934T>G, p.Trp312Gly (NM_001353200.2); and 3 more; short protein forms W312G, W334G, W347G, W369G, W410G, W432G, W434G, W460G.
Identifiers: ClinVar variation 999084 (VCV000999084.8), dbSNP rs376126988, ClinGen allele CA375311805.